The following is an entry in ClinVar:

ClinVar aggregate classification (germline): Uncertain significance (1 of 4 stars; one submission).

Submission:

GeneDx
Classification: Uncertain significance. Last evaluated: 2024-09-15. Review status: criteria provided, single submitter. Criteria: GeneDx Variant Classification Process June 2021. Collection method: clinical testing. Allele origin: germline. Affected: yes.
Comment: Not observed at significant frequency in large population cohorts (gnomAD); In silico analysis supports that this missense variant has a deleterious effect on protein structure/function; Has not been previously published as pathogenic or benign to our knowledge

NM_015015.3(KDM4B):c.752T>A (p.Leu251Gln)

Gene: KDM4B (lysine demethylase 4B; plus strand). Cytogenetic location: 19p13.3.
Variant type: single nucleotide variant.
Coding change: c.752T>A on transcript NM_015015.3 (MANE Select); coding-DNA position 752, T replaced by A.
Protein change: p.Leu251Gln; replaces leucine 251 with glutamine.
Molecular consequence: missense variant.
Genome position (GRCh38, 1-based): chr19:5,077,442, T>A. VCF-style: chr19-5077442-T-A. GRCh37 (hg19) VCF-style: chr19-5077453-T-A.
Other names: c.752T>A, p.Leu251Gln (NM_001370093.1, NM_001370094.1, NM_001411148.1); short protein forms L251Q.
Identifiers: ClinVar variation 3769722 (VCV003769722.1).